The following is an entry in ClinVar:

NM_020549.5(CHAT):c.1550A>C (p.Asp517Ala)

Gene: CHAT (choline O-acetyltransferase; plus strand). Cytogenetic location: 10q11.23.
Variant type: single nucleotide variant.
Coding change: c.1550A>C on transcript NM_020549.5 (MANE Select); coding-DNA position 1550, A replaced by C.
Protein change: p.Asp517Ala; replaces aspartic acid 517 with alanine.
Molecular consequence: missense variant.
Genome position (GRCh38, 1-based): chr10:49,651,922, A>C. VCF-style: chr10-49651922-A-C. GRCh37 (hg19) VCF-style: chr10-50859968-A-C.
Other names: c.1196A>C, p.Asp399Ala (NM_001142929.2, NM_001142934.2, NM_020984.4 and 2 more transcripts); c.1304A>C, p.Asp435Ala (NM_001142933.2); short protein forms D435A, D517A, D399A.
Identifiers: ClinVar variation 645424 (VCV000645424.9), dbSNP rs1368752304, ClinGen allele CA376745696.

ClinVar aggregate classification (germline): Uncertain significance. Review status: criteria provided, multiple submitters, no conflicts (2 of 4 stars). 2 submissions from 2 submitters: Uncertain significance (2). Last evaluated 2025-02-08.

Conditions:
Familial infantile myasthenia (CMS6). Also called: Congenital myasthenic syndrome type 6; MYASTHENIC SYNDROME, PRESYNAPTIC, CONGENITAL, ASSOCIATED WITH EPISODIC APNEA; MYASTHENIC SYNDROME, CONGENITAL, 6, PRESYNAPTIC. Identifiers: Orphanet 590, MedGen C0393929, MONDO:0009689, OMIM 254210.
Inborn genetic diseases. Identifiers: MedGen C0950123, MeSH D030342.

Allele frequency attached by ClinVar (database versions not stated): gnomAD exomes below 0.00001; gnomAD 0.00001; TOPMed 0.00002.
gnomAD v4.1: 6 of 1,613,974 alleles (0.00037%); highest among the groups gnomAD compares: Admixed American, 0.005%; no homozygotes.

Submissions (2):

Ambry Genetics
Classification: Uncertain significance for Inborn genetic diseases. Last evaluated: 2025-02-08. Review status: criteria provided, single submitter. Criteria: Ambry Variant Classification Scheme 2023. Collection method: clinical testing. Allele origin: germline.

Labcorp Genetics (formerly Invitae), Labcorp
Classification: Uncertain significance for Familial infantile myasthenia. Last evaluated: 2022-06-27. Review status: criteria provided, single submitter. Criteria: Invitae Variant Classification Sherloc (09022015). Collection method: clinical testing. Allele origin: germline.
Comment: This sequence change replaces aspartic acid, which is acidic and polar, with alanine, which is neutral and non-polar, at codon 517 of the CHAT protein (p.Asp517Ala). This variant is present in population databases (no rsID available, gnomAD 0.003%). This variant has not been reported in the literature in individuals affected with CHAT-related conditions. ClinVar contains an entry for this variant (Variation ID: 645424). Advanced modeling of protein sequence and biophysical properties (such as structural, functional, and spatial information, amino acid conservation, physicochemical variation, residue mobility, and thermodynamic stability) performed at Invitae indicates that this missense variant is not expected to disrupt CHAT protein function. In summary, the available evidence is currently insufficient to determine the role of this variant in disease. Therefore, it has been classified as a Variant of Uncertain Significance.